The following is an entry in ClinVar:

NM_001374353.1(GLI2):c.811G>A (p.Gly271Ser)

Gene: GLI2 (GLI family zinc finger 2; plus strand). Cytogenetic location: 2q14.2.
Variant type: single nucleotide variant.
Coding change: c.811G>A on transcript NM_001374353.1 (MANE Select); coding-DNA position 811, G replaced by A.
Protein change: p.Gly271Ser; replaces glycine 271 with serine.
Molecular consequence: missense variant.
Genome position (GRCh38, 1-based): chr2:120,968,881, G>A. VCF-style: chr2-120968881-G-A. GRCh37 (hg19) VCF-style: chr2-121726457-G-A.
Other names: c.811G>A, p.Gly271Ser (NM_001371271.1, NM_005270.5); c.436G>A, p.Gly146Ser (NM_001374354.1); c.811G>A (NM_005270.4); short protein forms G271S, G146S.
Identifiers: ClinVar variation 1405470 (VCV001405470.8), dbSNP rs144406619, ClinGen allele CA1851666.
Genomic context (GRCh38, chr2:120,968,881, plus strand): 5'-ACCTCACCCAACTCGCTAGTGGCCTACATCAACAACTCCCGAAGCAGCTCGGCGGCCAGC[G>A]GTTCCTACGGGCATCTGTCAGCGGGTGCCCTCAGGTGAGCCCCGCCTGCAAGCAGAGAGC-3'
Protein context (NP_001361282.1, residues 261-281): NNSRSSSAAS[Gly271Ser]SYGHLSAGAL

ClinVar aggregate classification (germline): Uncertain significance. Review status: criteria provided, multiple submitters, no conflicts (2 of 4 stars). 2 submissions from 2 submitters: Uncertain significance (2). Last evaluated 2024-02-17.

Conditions:
Inborn genetic diseases. Identifiers: MedGen C0950123, MeSH D030342.
Postaxial polydactyly-anterior pituitary anomalies-facial dysmorphism syndrome. Also called: Culler-Jones syndrome. Identifiers: Orphanet 420584, MedGen C4014479, MONDO:0014369, OMIM 615849.
Holoprosencephaly 9 (HPE9). Also called: HOLOPROSENCEPHALY WITH MICROPHTHALMIA AND FIRST BRANCHIAL ARCH ANOMALIES; PITUITARY ANOMALIES WITH HOLOPROSENCEPHALY-LIKE FEATURES. Identifiers: Orphanet 2162, MedGen C1835819, MONDO:0012563, OMIM 610829.

Allele frequency attached by ClinVar (database versions not stated): gnomAD exomes 0.00002 and 0.00004; ExAC 0.00003; gnomAD 0.00004; TOPMed 0.00004; ESP Exome Variant Server 0.00008; 1000 Genomes Project 30x 0.00016; 1000 Genomes Project 0.00020.
gnomAD v4.1: 70 of 1,613,278 alleles (0.0043%); highest among the groups gnomAD compares: South Asian, 0.0055%; no homozygotes.

Submissions (2):

Labcorp Genetics (formerly Invitae), Labcorp
Classification: Uncertain significance for Postaxial polydactyly-anterior pituitary anomalies-facial dysmorphism syndrome; Holoprosencephaly 9. Last evaluated: 2024-02-17. Review status: criteria provided, single submitter. Criteria: Invitae Variant Classification Sherloc (09022015). Collection method: clinical testing. Allele origin: germline.
Comment: This sequence change replaces glycine, which is neutral and non-polar, with serine, which is neutral and polar, at codon 271 of the GLI2 protein (p.Gly271Ser). This variant is present in population databases (rs144406619, gnomAD 0.007%). This variant has not been reported in the literature in individuals affected with GLI2-related conditions. ClinVar contains an entry for this variant (Variation ID: 1405470). Advanced modeling of protein sequence and biophysical properties (such as structural, functional, and spatial information, amino acid conservation, physicochemical variation, residue mobility, and thermodynamic stability) performed at Invitae indicates that this missense variant is not expected to disrupt GLI2 protein function with a negative predictive value of 80%. In summary, the available evidence is currently insufficient to determine the role of this variant in disease. Therefore, it has been classified as a Variant of Uncertain Significance.

Ambry Genetics
Classification: Uncertain significance for Inborn genetic diseases. Last evaluated: 2022-12-19. Review status: criteria provided, single submitter. Criteria: Ambry Variant Classification Scheme 2023. Collection method: clinical testing. Allele origin: germline.